The following is an entry in ClinVar:

NM_144599.5(NIPA1):c.*1012A>G

Gene: NIPA1 (NIPA magnesium transporter 1; plus strand). Cytogenetic location: 15q11.2.
Variant type: single nucleotide variant.
Coding change: c.*1012A>G on transcript NM_144599.5 (MANE Select); 1012 bases downstream of the stop codon, A replaced by G.
Molecular consequence: 3 prime UTR variant.
Genome position (GRCh38, 1-based): chr15:22,825,251, A>G. VCF-style: chr15-22825251-A-G. GRCh37 (hg19) VCF-style: chr15-23047817-T-C.
Other names: c.*1012A>G (NM_001142275.1).
Identifiers: ClinVar variation 315407 (VCV000315407.5), dbSNP rs186626641, ClinGen allele CA10641449.
Genomic context (GRCh38, chr15:22,825,251, plus strand): 5'-ACACCTGTACAGCATGTGACCGCACTGAATACCGCAGGCAATTGTAACACAGTGGTGAGT[A>G]TTTGTGTTTACAAACATAGGAAAGGTACAGTAAAACTATGGTATTACAATGTTATGGGAC-3'

ClinVar aggregate classification (germline): Benign (1 of 4 stars; one submission).

Conditions:
Hereditary spastic paraplegia 6 (SPG6). Also called: SPASTIC PARAPLEGIA 6, AUTOSOMAL DOMINANT. Identifiers: Orphanet 100988, MedGen C1838192, MONDO:0010878, OMIM 600363.

Allele frequency attached by ClinVar (database versions not stated): 1000 Genomes Project 0.00200; 1000 Genomes Project 30x 0.00203; gnomAD 0.00366 and 0.00401; TOPMed 0.00405.

Submission:

Illumina Laboratory Services, Illumina
Classification: Benign for Hereditary spastic paraplegia 6. Last evaluated: 2018-01-12. Review status: criteria provided, single submitter. Criteria: ICSL Variant Classification Criteria 13 December 2019. Collection method: clinical testing. Allele origin: germline.
Comment: This variant was observed in the ICSL laboratory as part of a predisposition screen in an ostensibly healthy population. It had not been previously curated by ICSL or reported in the Human Gene Mutation Database (HGMD: prior to June 1st, 2018), and was therefore a candidate for classification through an automated scoring system. Utilizing variant allele frequency, disease prevalence and penetrance estimates, and inheritance mode, an automated score was calculated to assess if this variant is too frequent to cause the disease. Based on the score and internal cut-off values, a variant classified as benign is not then subjected to further curation. The score for this variant resulted in a classification of benign for this disease.